The following is an entry in ClinVar:

NM_005035.4(POLRMT):c.2226C>T (p.Pro742=)

Gene: POLRMT (RNA polymerase mitochondrial; minus strand). Cytogenetic location: 19p13.3.
Variant type: single nucleotide variant.
Coding change: c.2226C>T on transcript NM_005035.4 (MANE Select); coding-DNA position 2226, C replaced by T.
Protein change: p.Pro742=; no amino-acid change (proline 742 retained).
Molecular consequence: synonymous variant. On other transcripts: non-coding transcript variant (1).
Genome position (GRCh38, 1-based): chr19:621,472, G>A on the plus strand (C>T on the coding strand, the complement: POLRMT is on the minus strand). VCF-style: chr19-621472-G-A. GRCh37 (hg19) VCF-style: chr19-621472-G-A.
Other names: c.2226C>T, p.Pro742= (NM_001407805.1, NM_001407808.1, NM_001407812.1 and 4 more transcripts); c.2217C>T, p.Pro739= (NM_001407806.1, NM_001407809.1); c.2214C>T, p.Pro738= (NM_001407807.1, NM_001407810.1); c.2184C>T, p.Pro728= (NM_001407811.1, NM_001407813.1); c.2001C>T, p.Pro667= (NM_001407830.1, NM_001407832.1); c.1902C>T, p.Pro634= (NM_001407831.1, NM_001407833.1, NM_001407835.1 and 1 more transcripts); c.1893C>T, p.Pro631= (NM_001407834.1).
Identifiers: ClinVar variation 2648856 (VCV002648856.24), dbSNP rs565088113, ClinGen allele CA9020005.
Genomic context (GRCh38, chr19:621,472, plus strand): 5'-CAGCTCACGGCGCAGCTCGGCCTTGCGGGCGGGCGCGGCGCTGTGCGGCAGGTGGGCCTC[G>A]GGCGGCTGGGGCGCCTCGGAGGGCGGGGCCGGCACGCCTAGCTGGGGGCAGCCCTTGGCC-3'
Protein context (NP_005026.3, residues 732-752): PAPPSEAPQP[Pro742=]EAHLPHSAAP

ClinVar aggregate classification (germline): Likely benign (1 of 4 stars; one submission).

Allele frequency attached by ClinVar (database versions not stated): 1000 Genomes Project 0.00100.
gnomAD v4.1: 91 of 1,368,436 alleles (0.0066%); highest among the groups gnomAD compares: African/African-American, 0.11%; no homozygotes.

Submission:

CeGaT Center for Human Genetics Tuebingen
Classification: Likely benign. Last evaluated: 2022-11-01. Review status: criteria provided, single submitter. Criteria: CeGaT Center For Human Genetics Tuebingen Variant Classification Criteria Version 2. Collection method: clinical testing. Allele origin: germline. Affected: yes. Observed: 1 variant allele.
Comment: POLRMT: BP4, BP7